The following is an entry in ClinVar:

NM_004994.3(MMP9):c.1721G>C (p.Arg574Pro)

Genes: MMP9 (matrix metallopeptidase 9; plus strand), SLC12A5-AS1 (SLC12A5 and MMP9 antisense RNA 1; minus strand). Cytogenetic location: 20q13.12.
Variant type: single nucleotide variant.
Coding change: c.1721G>C on transcript NM_004994.3 (MANE Select); coding-DNA position 1721, G replaced by C.
Protein change: p.Arg574Pro; replaces arginine 574 with proline.
Molecular consequence: missense variant. On other transcripts: non-coding transcript variant (1).
Genome position (GRCh38, 1-based): chr20:46,013,767, G>C. VCF-style: chr20-46013767-G-C. GRCh37 (hg19) VCF-style: chr20-44642406-G-C.
Other names: short protein forms R574P.
Identifiers: ClinVar variation 282093 (VCV000282093.23), dbSNP rs2250889, ClinGen allele CA9886813.

ClinVar aggregate classification (germline): Benign. Review status: criteria provided, multiple submitters, no conflicts (2 of 4 stars). 8 submissions from 8 submitters: Benign (8). Last evaluated 2026-02-04.

Conditions:
Metaphyseal anadysplasia 2 (MANDP2). Also called: Metaphyseal anadysplasia 2, autosomal recessive. Identifiers: Orphanet 1040, MedGen C2751322, MONDO:0013113, OMIM 613073.

Allele frequency attached by ClinVar (database versions not stated): 1000 Genomes Project 30x 0.82823; 1000 Genomes Project 0.83027; TOPMed 0.88361; ESP Exome Variant Server 0.91996.
gnomAD v4.1: 1,495,150 of 1,613,230 alleles (93%); highest among the groups gnomAD compares: Non-Finnish European, 96%; 697,146 homozygotes.

Submissions (8):

Labcorp Genetics (formerly Invitae), Labcorp
Classification: Benign. Last evaluated: 2026-02-04. Review status: criteria provided, single submitter. Criteria: Invitae Variant Classification Sherloc (09022015). Collection method: clinical testing. Allele origin: germline.

Blueprint Genetics
Classification: Benign. Last evaluated: 2024-11-28. Review status: criteria provided, single submitter. Criteria: ACMG Guidelines, 2015. Collection method: clinical testing. Allele origin: germline.

Genome-Nilou Lab
Classification: Benign for Metaphyseal anadysplasia 2. Last evaluated: 2021-09-05. Review status: criteria provided, single submitter. Criteria: ACMG Guidelines, 2015. Collection method: clinical testing. Allele origin: germline. Affected: no.

Mendelics
Classification: Benign for Metaphyseal anadysplasia 2. Last evaluated: 2019-05-28. Review status: criteria provided, single submitter. Criteria: Mendelics Assertion Criteria 2017. Collection method: clinical testing. Allele origin: unknown.

GeneDx
Classification: Benign. Last evaluated: 2018-10-16. Review status: criteria provided, single submitter. Criteria: GeneDx Variant Classification Process June 2021. Collection method: clinical testing. Allele origin: germline. Affected: yes.
Comment: This variant is associated with the following publications: (PMID: 18512818, 22729913, 19633731, 16574953, 25639450)

Illumina Laboratory Services, Illumina
Classification: Benign for Metaphyseal anadysplasia 2. Last evaluated: 2017-04-27. Review status: criteria provided, single submitter. Criteria: ICSL Variant Classification Criteria 13 December 2019. Collection method: clinical testing. Allele origin: germline.
Comment: This variant was observed as part of a predisposition screen in an ostensibly healthy population. A literature search was performed for the gene, cDNA change, and amino acid change (where applicable). No publications were found based on this search. Allele frequency data from public databases was too high to be consistent with this variant causing disease. Therefore, this variant is classified as benign.

Eurofins Ntd Llc (ga)
Classification: Benign. Last evaluated: 2015-11-09. Review status: criteria provided, single submitter. Criteria: EGL Classification Definitions 2015. Collection method: clinical testing. Allele origin: germline.

Breakthrough Genomics
Classification: Benign. Review status: criteria provided, single submitter. Criteria: ACMG Guidelines, 2015. Collection method: not provided. Allele origin: germline. Inheritance: Autosomal recessive inheritance. Affected: yes.